The following is an entry in ClinVar:

NM_005591.4(MRE11):c.1326+2T>G

Gene: MRE11 (MRE11 double strand break repair nuclease; minus strand). Cytogenetic location: 11q21.
Variant type: single nucleotide variant.
Coding change: c.1326+2T>G on transcript NM_005591.4 (MANE Select); the canonical splice donor site of the intron after coding-DNA position 1326, T replaced by G.
Molecular consequence: splice donor variant.
Genome position (GRCh38, 1-based): chr11:94,460,934, A>C on the plus strand (T>G on the coding strand, the complement: MRE11 is on the minus strand). VCF-style: chr11-94460934-A-C. GRCh37 (hg19) VCF-style: chr11-94194100-A-C.
Other names: c.1326+2T>G (NM_001330347.2, NM_005590.4).
Identifiers: ClinVar variation 818938 (VCV000818938.13), dbSNP rs1475506136, ClinGen allele CA382372262.

ClinVar aggregate classification (germline): Likely pathogenic. Review status: criteria provided, multiple submitters, no conflicts (2 of 4 stars). 3 submissions from 3 submitters: Likely pathogenic (3). Last evaluated 2025-03-07.

Conditions:
Hereditary cancer-predisposing syndrome. Also called: Tumor predisposition; Hereditary neoplastic syndrome; Neoplastic Syndromes, Hereditary; Hereditary Cancer Syndrome. Identifiers: Orphanet 140162, MedGen C0027672, MeSH D009386, MONDO:0015356.
Ataxia-telangiectasia-like disorder (ATLD). Identifiers: MedGen C1858391, MONDO:0011457.
Ataxia-telangiectasia-like disorder 1 (ATLD1). Identifiers: Orphanet 251347, MedGen C4012790, MONDO:0024557, OMIM 604391.

Allele frequency attached by ClinVar (database versions not stated): TOPMed below 0.00001; gnomAD 0.00001.
gnomAD v4.1: 1 of 1,610,112 alleles (0.000062%); highest among the groups gnomAD compares: Non-Finnish European, 0.000085%; no homozygotes.

Submissions (3):

Labcorp Genetics (formerly Invitae), Labcorp
Classification: Likely pathogenic for Ataxia-telangiectasia-like disorder. Last evaluated: 2025-03-07. Review status: criteria provided, single submitter. Criteria: Invitae Variant Classification Sherloc (09022015). Collection method: clinical testing. Allele origin: germline.
Comment: This sequence change affects a donor splice site in intron 12 of the MRE11 gene. It is expected to disrupt RNA splicing. Variants that disrupt the donor or acceptor splice site typically lead to a loss of protein function (PMID: 16199547), and loss-of-function variants in MRE11 are known to be pathogenic (PMID: 23080121, 23912341). This variant is not present in population databases (gnomAD no frequency). This variant has not been reported in the literature in individuals affected with MRE11-related conditions. ClinVar contains an entry for this variant (Variation ID: 818938). Algorithms developed to predict the effect of sequence changes on RNA splicing suggest that this variant may disrupt the consensus splice site. In summary, the currently available evidence indicates that the variant is pathogenic, but additional data are needed to prove that conclusively. Therefore, this variant has been classified as Likely Pathogenic.

Baylor Genetics
Classification: Likely pathogenic for Ataxia-telangiectasia-like disorder 1. Last evaluated: 2022-08-03. Review status: criteria provided, single submitter. Criteria: ACMG Guidelines, 2015. Collection method: clinical testing. Allele origin: unknown.

Ambry Genetics
Classification: Likely pathogenic for Hereditary cancer-predisposing syndrome. Last evaluated: 2020-11-27. Review status: criteria provided, single submitter. Criteria: Ambry Variant Classification Scheme 2023. Collection method: clinical testing. Allele origin: germline.
Comment: The c.1326+2T>G intronic variant results from a T to G substitution two nucleotides after coding exon 11 in the MRE11A gene. This nucleotide position is highly conserved in available vertebrate species. In silico splice site analysis predicts that this alteration will weaken the native splice donor site and may result in the creation or strengthening of a novel splice donor site. Alterations that disrupt the canonical splice site are expected to cause aberrant splicing, resulting in an abnormal protein or a transcript that is subject to nonsense-mediated mRNA decay. As such, this alteration is classified as likely pathogenic.

Literature cited by the submitters: PubMed 16199547 (cited by Labcorp Genetics (formerly Invitae), Labcorp); PubMed 23080121 (cited by Labcorp Genetics (formerly Invitae), Labcorp); PubMed 23912341 (cited by Labcorp Genetics (formerly Invitae), Labcorp).